The following is an entry in ClinVar:

NM_000083.3(CLCN1):c.809G>T (p.Gly270Val)

Gene: CLCN1 (chloride voltage-gated channel 1; plus strand). Cytogenetic location: 7q34.
Variant type: single nucleotide variant.
Coding change: c.809G>T on transcript NM_000083.3 (MANE Select); coding-DNA position 809, G replaced by T.
Protein change: p.Gly270Val; replaces glycine 270 with valine.
Molecular consequence: missense variant. On other transcripts: non-coding transcript variant (1).
Genome position (GRCh38, 1-based): chr7:143,324,448, G>T. VCF-style: chr7-143324448-G-T. GRCh37 (hg19) VCF-style: chr7-143021541-G-T.
Other names: short protein forms G270V.
Identifiers: ClinVar variation 2136617 (VCV002136617.4), dbSNP rs1490537212, ClinGen allele CA369687537.

ClinVar aggregate classification (germline): Pathogenic (1 of 4 stars; one submission).

Conditions:
Congenital myotonia, autosomal recessive form. Also called: BECKER DISEASE; Becker Generalized Myotonia; myotonia congenita, autosomal recessive. Identifiers: Orphanet 614, MedGen C0751360, MONDO:0009715, OMIM 255700.
Congenital myotonia, autosomal dominant form (THD). Also called: THOMSEN DISEASE; Myotonia congenita autosomal dominant. Identifiers: Orphanet 614, MedGen C2936781, MONDO:0008055, OMIM 160800.

Submission:

Labcorp Genetics (formerly Invitae), Labcorp
Classification: Pathogenic for Congenital myotonia, autosomal recessive form; Congenital myotonia, autosomal dominant form. Last evaluated: 2024-02-23. Review status: criteria provided, single submitter. Criteria: Invitae Variant Classification Sherloc (09022015). Collection method: clinical testing. Allele origin: germline.
Comment: This sequence change replaces glycine, which is neutral and non-polar, with valine, which is neutral and non-polar, at codon 270 of the CLCN1 protein (p.Gly270Val). This variant is not present in population databases (gnomAD no frequency). This missense change has been observed in individuals with clinical features of autosomal dominant myotonia congenita (PMID: 29606556; Invitae). This variant has been reported in individual(s) with autosomal recessive myotonia congenita (PMID: 26007199); however, the role of the variant in this condition is currently unclear. ClinVar contains an entry for this variant (Variation ID: 2136617). Advanced modeling of protein sequence and biophysical properties (such as structural, functional, and spatial information, amino acid conservation, physicochemical variation, residue mobility, and thermodynamic stability) performed at Invitae indicates that this missense variant is expected to disrupt CLCN1 protein function with a positive predictive value of 95%. Experimental studies have shown that this missense change affects CLCN1 function (PMID: 26007199). For these reasons, this variant has been classified as Pathogenic.

Literature cited by the submitters: PubMed 29606556; PubMed 26007199.